The following is an entry in ClinVar:

ClinVar aggregate classification (germline): Likely benign. Review status: criteria provided, multiple submitters, no conflicts (2 of 4 stars). 2 submissions from 2 submitters: Likely benign (2). Last evaluated 2024-02-05.

Conditions:
Joubert syndrome. Also called: JOUBERT-BOLTSHAUSER SYNDROME; Familial aplasia of the vermis. Identifiers: Orphanet 475, MedGen C5979921, MONDO:0018772.

Submissions (2):

Labcorp Genetics (formerly Invitae), Labcorp
Classification: Likely benign for Joubert syndrome. Last evaluated: 2024-02-05. Review status: criteria provided, single submitter. Criteria: Invitae Variant Classification Sherloc (09022015). Collection method: clinical testing. Allele origin: germline.

CeGaT Center for Human Genetics Tuebingen
Classification: Likely benign. Last evaluated: 2023-08-01. Review status: criteria provided, single submitter. Criteria: CeGaT Center For Human Genetics Tuebingen Variant Classification Criteria Version 2. Collection method: clinical testing. Allele origin: germline. Affected: yes. Observed: 1 variant allele.
Comment: TMEM216: PM2:Supporting, BP4, BP7

NM_001173990.3(TMEM216):c.57G>A (p.Pro19=)

Gene: TMEM216 (transmembrane protein 216; plus strand). Cytogenetic location: 11q12.2.
Variant type: single nucleotide variant.
Coding change: c.57G>A on transcript NM_001173990.3 (MANE Select); coding-DNA position 57, G replaced by A.
Protein change: p.Pro19=; no amino-acid change (proline 19 retained).
Molecular consequence: synonymous variant. On other transcripts: 5 prime UTR variant (2).
Genome position (GRCh38, 1-based): chr11:61,393,253, G>A. VCF-style: chr11-61393253-G-A. GRCh37 (hg19) VCF-style: chr11-61160725-G-A.
Other names: c.57G>A, p.Pro19= (NM_001173991.3); c.-127G>A (NM_001330285.2, NM_016499.6).
Identifiers: ClinVar variation 2641828 (VCV002641828.26), dbSNP rs769285695, ClinGen allele CA474518422.